The following is an entry in ClinVar:

NM_000287.4(PEX6):c.1522del (p.Glu508fs)

Gene: PEX6 (peroxisomal biogenesis factor 6; minus strand). Cytogenetic location: 6p21.1.
Variant type: Deletion.
Coding change: c.1522del on transcript NM_000287.4 (MANE Select); coding-DNA position 1522, one base deleted (G; older notation c.1522delG).
Protein change: p.Glu508fs; shifts the reading frame from glutamic acid 508.
Molecular consequence: frameshift variant. On other transcripts: non-coding transcript variant (1).
Genome position (GRCh38, 1-based): chr6:42,968,456, C deleted on the plus strand (G on the coding strand, the reverse complement: PEX6 is on the minus strand); the first of 2 consecutive C bases (chr6:42,968,456-42,968,457); deleting either gives the same sequence. VCF-style (leftmost placement, unchanged base first): chr6-42968455-TC-T. GRCh37 (hg19) VCF-style: chr6-42936193-TC-T.
Other names: c.1258del, p.Glu420fs (NM_001316313.2); c.1522delG (NM_000287.3); short protein forms E508fs, E420fs.
Identifiers: ClinVar variation 1421817 (VCV001421817.8), dbSNP rs754684285, ClinGen allele CA3811306.

ClinVar aggregate classification (germline): Pathogenic/Likely pathogenic. Review status: criteria provided, multiple submitters, no conflicts (2 of 4 stars). 3 submissions from 3 submitters: Pathogenic (1); Likely pathogenic (2). Last evaluated 2025-05-29.

Conditions:
Zellweger spectrum disorders (ZS). Also called: Zellweger syndrome; Zellweger Spectrum Disorder (ZSD); Zellweger Spectrum Disorder; Zellweger Spectrum. Identifiers: Orphanet 912, MedGen C0043459, MONDO:0019609.
Heimler syndrome 2 (HMLR2). Also called: PEROXISOME BIOGENESIS DISORDER 4C. Identifiers: Orphanet 3220, MedGen C4225267, OMIM 616617, MONDO:0014709.
Peroxisome biogenesis disorder. Identifiers: Orphanet 79189, MedGen C1832200, MONDO:0019234. Disease mechanism: loss of function.

Submissions (3):

Natera, Inc.
Classification: Likely pathogenic for Zellweger syndrome. Last evaluated: 2025-05-29. Review status: criteria provided, single submitter. Criteria: Natera Variant Classification Schema (03/2026). Collection method: clinical testing. Allele origin: germline.
Comment: The c.1522delG variant in PEX6 is a frameshift variant predicted to shift the reading frame beginning at codon 508 and leads to a stop codon 40 codons downstream. This variant is expected to result in nonsense mediated decay, truncation, or a dysfunctional protein product. This variant is rare in the general population with a frequency below the threshold expected for the associated phenotype(s). Given the available evidence, this variant is classified as Likely Pathogenic.

Labcorp Genetics (formerly Invitae), Labcorp
Classification: Pathogenic for Peroxisome biogenesis disorder. Last evaluated: 2023-12-30. Review status: criteria provided, single submitter. Criteria: Invitae Variant Classification Sherloc (09022015). Collection method: clinical testing. Allele origin: germline.
Comment: This sequence change creates a premature translational stop signal (p.Glu508Argfs*40) in the PEX6 gene. It is expected to result in an absent or disrupted protein product. Loss-of-function variants in PEX6 are known to be pathogenic (PMID: 10408779, 21031596, 31831025). This variant is present in population databases (rs754684285, gnomAD 0.001%). This variant has not been reported in the literature in individuals affected with PEX6-related conditions. ClinVar contains an entry for this variant (Variation ID: 1421817). For these reasons, this variant has been classified as Pathogenic.

Baylor Genetics
Classification: Likely pathogenic for Heimler syndrome 2. Last evaluated: 2022-03-10. Review status: criteria provided, single submitter. Criteria: ACMG Guidelines, 2015. Collection method: clinical testing. Allele origin: unknown.

Literature cited by the submitters: PubMed 10408779 (cited by Labcorp Genetics (formerly Invitae), Labcorp); PubMed 21031596 (cited by Labcorp Genetics (formerly Invitae), Labcorp); PubMed 31831025 (cited by Labcorp Genetics (formerly Invitae), Labcorp).